The following is an entry in ClinVar:

ClinVar aggregate classification (germline): Uncertain significance (1 of 4 stars; one submission).

Conditions:
Short-rib thoracic dysplasia 6 with or without polydactyly (SRTD6). Also called: POLYDACTYLY WITH NEONATAL CHONDRODYSTROPHY, TYPE II; SHORT RIB-POLYDACTYLY SYNDROME, TYPE IIA; SHORT-RIB THORACIC DYSPLASIA 6 WITH POLYDACTYLY; SHORT-RIB THORACIC DYSPLASIA 6 WITHOUT POLYDACTYLY; Majewski Syndrome. Identifiers: MedGen C0024507, MONDO:0009894, OMIM 263520.

gnomAD v4.1: 6 of 1,613,894 alleles (0.00037%); highest among the groups gnomAD compares: Middle Eastern, 0.016%; no homozygotes.

Submission:

Labcorp Genetics (formerly Invitae), Labcorp
Classification: Uncertain significance for Short-rib thoracic dysplasia 6 with or without polydactyly. Last evaluated: 2024-12-07. Review status: criteria provided, single submitter. Criteria: Invitae Variant Classification Sherloc (09022015). Collection method: clinical testing. Allele origin: germline.
Comment: This sequence change replaces glutamic acid, which is acidic and polar, with glutamine, which is neutral and polar, at codon 1157 of the NEK1 protein (p.Glu1157Gln). This variant is not present in population databases (gnomAD no frequency). This variant has not been reported in the literature in individuals affected with NEK1-related conditions. Invitae Evidence Modeling of protein sequence and biophysical properties (such as structural, functional, and spatial information, amino acid conservation, physicochemical variation, residue mobility, and thermodynamic stability) indicates that this missense variant is not expected to disrupt NEK1 protein function with a negative predictive value of 80%. In summary, the available evidence is currently insufficient to determine the role of this variant in disease. Therefore, it has been classified as a Variant of Uncertain Significance.

NM_001199397.3(NEK1):c.3553G>C (p.Glu1185Gln)

Gene: NEK1 (NIMA related kinase 1; minus strand). Cytogenetic location: 4q33.
Variant type: single nucleotide variant.
Coding change: c.3553G>C on transcript NM_001199397.3 (MANE Select); coding-DNA position 3553, G replaced by C.
Protein change: p.Glu1185Gln; replaces glutamic acid 1185 with glutamine.
Molecular consequence: missense variant. On other transcripts: non-coding transcript variant (1).
Genome position (GRCh38, 1-based): chr4:169,401,682, C>G on the plus strand (G>C on the coding strand, the complement: NEK1 is on the minus strand). VCF-style: chr4-169401682-C-G. GRCh37 (hg19) VCF-style: chr4-170322833-C-G.
Other names: c.3421G>C, p.Glu1141Gln (NM_001199398.3); c.3262G>C, p.Glu1088Gln (NM_001199399.3); c.3337G>C, p.Glu1113Gln (NM_001199400.3); c.3553G>C, p.Glu1185Gln (NM_001374418.1); c.3469G>C, p.Glu1157Gln (NM_001374419.1, NM_012224.4); c.3418G>C, p.Glu1140Gln (NM_001374420.1); c.3070G>C, p.Glu1024Gln (NM_001374421.1); short protein forms E1024Q, E1088Q, E1113Q, E1140Q, E1141Q, E1157Q, E1185Q.
Identifiers: ClinVar variation 3626221 (VCV003626221.2).
Genomic context (GRCh38, chr4:169,401,682, plus strand): 5'-AGAAAAAGGTCCAAAACTCTGATCATGCACCTGAGTGCCATTCTTCGTTCAGGGCACTTT[C>G]ACTGCTGGGATTGTCATCTTCATCTGCCACATCTGTCCCATTTGCAGTTGGCTCCACATC-3'
Protein context (NP_001186326.1, residues 1175-1195): VADEDDNPSS[Glu1185Gln]SALNEEWHSD